The following is an entry in ClinVar:

ClinVar aggregate classification (germline): Uncertain significance (1 of 4 stars; one submission).

Allele frequency attached by ClinVar (database versions not stated): gnomAD 0.00001; gnomAD exomes 0.00002 and 0.00003; TOPMed 0.00002.
gnomAD v4.1: 43 of 1,614,014 alleles (0.0027%); highest among the groups gnomAD compares: Non-Finnish European, 0.0033%; no homozygotes.

Submission:

Labcorp Genetics (formerly Invitae), Labcorp
Classification: Uncertain significance. Last evaluated: 2022-01-15. Review status: criteria provided, single submitter. Criteria: Invitae Variant Classification Sherloc (09022015). Collection method: clinical testing. Allele origin: germline.
Comment: This sequence change replaces proline, which is neutral and non-polar, with leucine, which is neutral and non-polar, at codon 141 of the EFL1 protein (p.Pro141Leu). This variant is present in population databases (rs753870596, gnomAD 0.006%). This variant has not been reported in the literature in individuals affected with EFL1-related conditions. Algorithms developed to predict the effect of missense changes on protein structure and function are either unavailable or do not agree on the potential impact of this missense change (SIFT: "Tolerated"; PolyPhen-2: "Possibly Damaging"; Align-GVGD: "Class C0"). In summary, the available evidence is currently insufficient to determine the role of this variant in disease. Therefore, it has been classified as a Variant of Uncertain Significance.

NM_024580.6(EFL1):c.422C>T (p.Pro141Leu)

Gene: EFL1 (elongation factor like GTPase 1; minus strand). Cytogenetic location: 15q25.2.
Variant type: single nucleotide variant.
Coding change: c.422C>T on transcript NM_024580.6 (MANE Select); coding-DNA position 422, C replaced by T.
Protein change: p.Pro141Leu; replaces proline 141 with leucine.
Molecular consequence: missense variant. On other transcripts: 5 prime UTR variant (1), non-coding transcript variant (1).
Genome position (GRCh38, 1-based): chr15:82,240,512, G>A on the plus strand (C>T on the coding strand, the complement: EFL1 is on the minus strand). VCF-style: chr15-82240512-G-A. GRCh37 (hg19) VCF-style: chr15-82532853-G-A.
Other names: c.269C>T, p.Pro90Leu (NM_001040610.3); c.-368C>T (NM_001322844.2); c.422C>T, p.Pro141Leu (NM_001322845.2); short protein forms P141L, P90L.
Identifiers: ClinVar variation 1487201 (VCV001487201.5), dbSNP rs753870596, ClinGen allele CA7698278.